The following is an entry in ClinVar:

NM_182641.4(BPTF):c.6964A>G (p.Lys2322Glu)

Gene: BPTF (bromodomain PHD finger transcription factor; plus strand). Cytogenetic location: 17q24.2.
Variant type: single nucleotide variant.
Coding change: c.6964A>G on transcript NM_182641.4 (MANE Select); coding-DNA position 6964, A replaced by G.
Protein change: p.Lys2322Glu; replaces lysine 2322 with glutamic acid.
Molecular consequence: missense variant.
Genome position (GRCh38, 1-based): chr17:67,945,672, A>G. VCF-style: chr17-67945672-A-G. GRCh37 (hg19) VCF-style: chr17-65941788-A-G.
Other names: c.7342A>G, p.Lys2448Glu (NM_004459.7); short protein forms K2322E, K2448E.
Identifiers: ClinVar variation 1710631 (VCV001710631.2), dbSNP rs2512533363, ClinGen allele CA400724079.

ClinVar aggregate classification (germline): Likely benign (1 of 4 stars; one submission).

Submission:

GeneDx
Classification: Likely benign. Last evaluated: 2022-11-21. Review status: criteria provided, single submitter. Criteria: GeneDx Variant Classification Process June 2021. Collection method: clinical testing. Allele origin: germline. Affected: yes.
Comment: See Variant Classification Assertion Criteria.